The following is an entry in ClinVar:

NM_006383.4(CIB2):c.310C>G (p.Arg104Gly)

Gene: CIB2 (calcium and integrin binding family member 2; minus strand). Cytogenetic location: 15q25.1.
Variant type: single nucleotide variant.
Coding change: c.310C>G on transcript NM_006383.4 (MANE Select); coding-DNA position 310, C replaced by G.
Protein change: p.Arg104Gly; replaces arginine 104 with glycine.
Molecular consequence: missense variant. On other transcripts: non-coding transcript variant (1).
Genome position (GRCh38, 1-based): chr15:78,109,271, G>C on the plus strand (C>G on the coding strand, the complement: CIB2 is on the minus strand). VCF-style: chr15-78109271-G-C. GRCh37 (hg19) VCF-style: chr15-78401613-G-C.
Other names: c.181C>G, p.Arg61Gly (NM_001271888.2); c.163C>G, p.Arg55Gly (NM_001271889.2); c.325C>G, p.Arg109Gly (NM_001301224.2); short protein forms R55G, R104G, R61G, R109G.
Identifiers: ClinVar variation 955161 (VCV000955161.9), dbSNP rs1054728914, ClinGen allele CA393546810.

ClinVar aggregate classification (germline): Uncertain significance (1 of 4 stars; one submission).

Submission:

Labcorp Genetics (formerly Invitae), Labcorp
Classification: Uncertain significance. Last evaluated: 2019-11-14. Review status: criteria provided, single submitter. Criteria: Invitae Variant Classification Sherloc (09022015). Collection method: clinical testing. Allele origin: germline.
Comment: This variant is not present in population databases (ExAC no frequency). This sequence change replaces arginine with glycine at codon 104 of the CIB2 protein (p.Arg104Gly). The arginine residue is highly conserved and there is a moderate physicochemical difference between arginine and glycine. This variant has not been reported in the literature in individuals with CIB2-related conditions. Algorithms developed to predict the effect of missense changes on protein structure and function are either unavailable or do not agree on the potential impact of this missense change (SIFT: "Tolerated"; PolyPhen-2: "Probably Damaging"; Align-GVGD: "Class C15"). In summary, the available evidence is currently insufficient to determine the role of this variant in disease. Therefore, it has been classified as a Variant of Uncertain Significance.